The following is an entry in ClinVar:

NM_031476.4(CRISPLD2):c.1173C>T (p.Cys391=)

Gene: CRISPLD2 (cysteine rich secretory protein LCCL domain containing 2; plus strand). Cytogenetic location: 16q24.1.
Variant type: single nucleotide variant.
Coding change: c.1173C>T on transcript NM_031476.4 (MANE Select); coding-DNA position 1173, C replaced by T.
Protein change: p.Cys391=; no amino-acid change (cysteine 391 retained).
Molecular consequence: synonymous variant.
Genome position (GRCh38, 1-based): chr16:84,877,454, C>T. VCF-style: chr16-84877454-C-T. GRCh37 (hg19) VCF-style: chr16-84911060-C-T.
Identifiers: ClinVar variation 3054437 (VCV003054437.2), dbSNP rs757572271, ClinGen allele CA8212006.

ClinVar aggregate classification (germline): Likely benign (0 of 4 stars; one submission).

Conditions:
CRISPLD2-related disorder. Also called: CRISPLD2-related condition.

Allele frequency attached by ClinVar (database versions not stated): ExAC 0.00002.
gnomAD v4.1: 51 of 1,613,786 alleles (0.0032%); highest among the groups gnomAD compares: Admixed American, 0.017%; no homozygotes.

Submission:

PreventionGenetics, part of Exact Sciences
Classification: Likely benign for CRISPLD2-related condition. Last evaluated: 2022-12-05. Review status: no assertion criteria provided. Collection method: clinical testing. Allele origin: germline.
Comment: This variant is classified as likely benign based on ACMG/AMP sequence variant interpretation guidelines (Richards et al. 2015 PMID: 25741868, with internal and published modifications).